The following is an entry in ClinVar:

NM_001034116.2(EIF2B4):c.1165C>G (p.Pro389Ala)

Genes: EIF2B4 (eukaryotic translation initiation factor 2B subunit delta; minus strand), GTF3C2-AS2 (GTF3C2 antisense RNA 2; plus strand). Cytogenetic location: 2p23.3.
Variant type: single nucleotide variant.
Coding change: c.1165C>G on transcript NM_001034116.2 (MANE Select); coding-DNA position 1165, C replaced by G.
Protein change: p.Pro389Ala; replaces proline 389 with alanine.
Molecular consequence: missense variant.
Genome position (GRCh38, 1-based): chr2:27,366,785, G>C on the plus strand (C>G on the coding strand, the complement: EIF2B4 is on the minus strand). VCF-style: chr2-27366785-G-C. GRCh37 (hg19) VCF-style: chr2-27589652-G-C.
Other names: c.1228C>G, p.Pro410Ala (NM_001318965.2); c.1120C>G, p.Pro374Ala (NM_001318966.2); c.1072C>G, p.Pro358Ala (NM_001318967.2); c.580C>G, p.Pro194Ala (NM_001318968.2); c.547C>G, p.Pro183Ala (NM_001318969.2); c.1162C>G, p.Pro388Ala (NM_015636.4); c.1225C>G, p.Pro409Ala (NM_172195.4); short protein forms P374A, P388A, P410A, P389A, P183A, P358A, P409A, P194A.
Identifiers: ClinVar variation 2062954 (VCV002062954.3), dbSNP rs756150677, ClinGen allele CA1576645.

ClinVar aggregate classification (germline): Uncertain significance. Review status: criteria provided, multiple submitters, no conflicts (2 of 4 stars). 2 submissions from 2 submitters: Uncertain significance (2). Last evaluated 2025-09-22.

Conditions:
Inborn genetic diseases. Identifiers: MedGen C0950123, MeSH D030342.

Allele frequency attached by ClinVar (database versions not stated): TOPMed 0.00008; gnomAD 0.00003; gnomAD exomes 0.00007; ExAC 0.00014.
gnomAD v4.1: 48 of 1,614,100 alleles (0.003%); highest among the groups gnomAD compares: Admixed American, 0.078%; no homozygotes.

Submissions (2):

Ambry Genetics
Classification: Uncertain significance for Inborn genetic diseases. Last evaluated: 2025-09-22. Review status: criteria provided, single submitter. Criteria: Ambry Variant Classification Scheme 2023. Collection method: clinical testing. Allele origin: germline.

Labcorp Genetics (formerly Invitae), Labcorp
Classification: Uncertain significance. Last evaluated: 2022-08-12. Review status: criteria provided, single submitter. Criteria: Invitae Variant Classification Sherloc (09022015). Collection method: clinical testing. Allele origin: germline.
Comment: This sequence change replaces proline, which is neutral and non-polar, with alanine, which is neutral and non-polar, at codon 388 of the EIF2B4 protein (p.Pro388Ala). This variant is present in population databases (rs756150677, gnomAD 0.1%). This variant has not been reported in the literature in individuals affected with EIF2B4-related conditions. Algorithms developed to predict the effect of missense changes on protein structure and function (SIFT, PolyPhen-2, Align-GVGD) all suggest that this variant is likely to be tolerated. In summary, the available evidence is currently insufficient to determine the role of this variant in disease. Therefore, it has been classified as a Variant of Uncertain Significance.